The following is an entry in ClinVar:

NM_002860.4(ALDH18A1):c.2232G>C (p.Ser744=)

Gene: ALDH18A1 (aldehyde dehydrogenase 18 family member A1; minus strand). Cytogenetic location: 10q24.1.
Variant type: single nucleotide variant.
Coding change: c.2232G>C on transcript NM_002860.4 (MANE Select); coding-DNA position 2232, G replaced by C.
Protein change: p.Ser744=; no amino-acid change (serine 744 retained).
Molecular consequence: synonymous variant.
Genome position (GRCh38, 1-based): chr10:95,606,918, C>G on the plus strand (G>C on the coding strand, the complement: ALDH18A1 is on the minus strand). VCF-style: chr10-95606918-C-G. GRCh37 (hg19) VCF-style: chr10-97366675-C-G.
Other names: c.2226G>C, p.Ser742= (NM_001017423.2, NM_001323415.2); c.1899G>C, p.Ser633= (NM_001323412.2, NM_001323416.2); c.2232G>C, p.Ser744= (NM_001323413.2, NM_001323414.2); c.2127G>C, p.Ser709= (NM_001323417.2); c.1893G>C, p.Ser631= (NM_001323418.2); c.1596G>C, p.Ser532= (NM_001323419.2); c.2232G>C (NM_002860.3).
Identifiers: ClinVar variation 806551 (VCV000806551.46), dbSNP rs148601288, ClinGen allele CA5620101.

ClinVar aggregate classification (germline): Conflicting classifications of pathogenicity. Review status: criteria provided, conflicting classifications (1 of 4 stars). 3 submissions from 3 submitters: Uncertain significance (1); Likely benign (1). 1 of the submissions does not count toward it. Last evaluated 2024-11-22.

Conditions:
ALDH18A1-related disorder. Also called: ALDH18A1-related disorders.
Cutis laxa, autosomal dominant 3 (ADCL3). Identifiers: Orphanet 90348, MedGen C4225268, MONDO:0014706, OMIM 616603.
Autosomal dominant spastic paraplegia type 9. Identifiers: MedGen C1832669, MONDO:0015091.
de Barsy syndrome. Also called: Cutis laxa-corneal clouding-oligophrenia syndrome. Identifiers: Orphanet 2962, MedGen C0268354, MONDO:0017569.

Allele frequency attached by ClinVar (database versions not stated): TOPMed 0.00005.
gnomAD v4.1: 45 of 1,613,974 alleles (0.0028%); highest among the groups gnomAD compares: Non-Finnish European, 0.0036%; no homozygotes.

Submissions (3):

Labcorp Genetics (formerly Invitae), Labcorp
Classification: Likely benign for Autosomal dominant spastic paraplegia type 9; de Barsy syndrome; Cutis laxa, autosomal dominant 3. Last evaluated: 2024-11-22. Review status: criteria provided, single submitter. Criteria: Invitae Variant Classification Sherloc (09022015). Collection method: clinical testing. Allele origin: germline.

CeGaT Center for Human Genetics Tuebingen
Classification: Uncertain significance. Last evaluated: 2016-06-01. Review status: criteria provided, single submitter. Criteria: CeGaT Center For Human Genetics Tuebingen Variant Classification Criteria Version 2. Collection method: clinical testing. Allele origin: germline. Affected: yes. Observed: 1 variant allele.

PreventionGenetics, part of Exact Sciences
Classification: Likely benign for ALDH18A1-related condition. Last evaluated: 2023-09-27. Review status: no assertion criteria provided. Collection method: clinical testing. Allele origin: germline. Not counted in ClinVar's aggregate classification.
Comment: This variant is classified as likely benign based on ACMG/AMP sequence variant interpretation guidelines (Richards et al. 2015 PMID: 25741868, with internal and published modifications).